The following is an entry in ClinVar:

NM_000219.6(KCNE1):c.347A>G (p.Glu116Gly)

Gene: KCNE1 (potassium voltage-gated channel subfamily E regulatory subunit 1; minus strand). Cytogenetic location: 21q22.12.
Variant type: single nucleotide variant.
Coding change: c.347A>G on transcript NM_000219.6 (MANE Select); coding-DNA position 347, A replaced by G.
Protein change: p.Glu116Gly; replaces glutamic acid 116 with glycine.
Molecular consequence: missense variant.
Genome position (GRCh38, 1-based): chr21:34,449,288, T>C on the plus strand (A>G on the coding strand, the complement: KCNE1 is on the minus strand). VCF-style: chr21-34449288-T-C. GRCh37 (hg19) VCF-style: chr21-35821586-T-C.
Other names: c.347A>G, p.Glu116Gly (NM_001127668.4, NM_001127669.4, NM_001127670.4 and 4 more transcripts); short protein forms E116G.
Identifiers: ClinVar variation 3373786 (VCV003373786.2).

Conditions:
Long QT syndrome 5 (LQT5). Identifiers: Orphanet 101016, Orphanet 768, MedGen C1867904, MONDO:0013372, OMIM 613695.

Submission:

Roden Lab, Vanderbilt University Medical Center
No classification provided (evidence only). Condition: Long QT syndrome 5. Review status: no classification provided. Collection method: in vitro. Allele origin: not applicable. Functional consequence: Effect on ion channel function.
ClinVar note: "not provided" was previously submitted as the classification for the variant. However, the classification appeared to be based only on an observation of functional data so it was converted to no classification on 2025-07-30.